The following is an entry in ClinVar:

ClinVar aggregate classification (germline): Uncertain significance. Review status: criteria provided, multiple submitters, no conflicts (2 of 4 stars). 3 submissions from 3 submitters: Uncertain significance (3). Last evaluated 2025-08-18.

Conditions:
Hereditary breast ovarian cancer syndrome. Also called: Hereditary breast and ovarian cancer; Breast and ovarian cancer; Hereditary breast and/or ovarian cancer syndrome; Hereditary breast and ovarian cancer syndrome; BRCA1- and BRCA2-Associated Hereditary Breast and Ovarian Cancer; Hereditary breast and ovarian cancer syndrome (HBOC). Identifiers: Orphanet 145, MedGen C0677776, MeSH D061325, MONDO:0003582. Disease mechanism: loss of function.
Hereditary cancer-predisposing syndrome. Also called: Tumor predisposition; Hereditary Cancer Syndrome; Neoplastic Syndromes, Hereditary; Hereditary neoplastic syndrome. Identifiers: Orphanet 140162, MedGen C0027672, MeSH D009386, MONDO:0015356.

Submissions (3):

Labcorp Genetics (formerly Invitae), Labcorp
Classification: Uncertain significance for Hereditary breast ovarian cancer syndrome. Last evaluated: 2025-08-18. Review status: criteria provided, single submitter. Criteria: Invitae Variant Classification Sherloc (09022015). Collection method: clinical testing. Allele origin: germline.
Comment: This variant, c.2865_2867del, results in the deletion of 1 amino acid(s) of the BRCA1 protein (p.Ser956del), but otherwise preserves the integrity of the reading frame. This variant is not present in population databases (gnomAD no frequency). This variant has been observed in individual(s) with non-medullary thyroid cancer (PMID: 26530882). Experimental studies and prediction algorithms are not available or were not evaluated, and the functional significance of this variant is currently unknown. In summary, the available evidence is currently insufficient to determine the role of this variant in disease. Therefore, it has been classified as a Variant of Uncertain Significance.

Ambry Genetics
Classification: Uncertain significance for Hereditary cancer-predisposing syndrome. Last evaluated: 2025-03-07. Review status: criteria provided, single submitter. Criteria: Ambry Variant Classification Scheme 2023. Collection method: clinical testing. Allele origin: germline.
Comment: The c.2865_2867delATC variant (also known as p.S956del) is located in coding exon 9 of the BRCA1 gene. This variant results from an in-frame ATC deletion at nucleotide positions 2865 to 2867. This results in the in-frame deletion of a serine at codon 956. This variant was identified within cohorts of Chinese patients with a personal history of ovarian cancer and pancreatic ductal adenocarcinoma (Wu X et al. Int J Gynecol Cancer, 2017 Oct;27:1650-1657; Wu Z et al. BMC Cancer, 2024 Apr;24:411). This amino acid position is not well conserved in available vertebrate species. In addition, this alteration is predicted to be deleterious by in silico analysis (Choi Y et al. PLoS ONE. 2012; 7(10):e46688). Based on the available evidence, the clinical significance of this variant remains unclear.

Women's Health and Genetics/Laboratory Corporation of America, LabCorp
Classification: Uncertain significance. Last evaluated: 2023-03-24. Review status: criteria provided, single submitter. Criteria: LabCorp Variant Classification Summary - May 2015. Collection method: clinical testing. Allele origin: germline.
Comment: Variant summary: BRCA1 c.2865_2867delATC (p.Ser956del) results in an in-frame deletion that is predicted to remove one amino acids from the encoded protein. The variant was absent in 251366 control chromosomes (gnomAD). The available data on variant occurrences in the general population are insufficient to allow any conclusion about variant significance. c.2865_2867delATC has been reported in the literature in individuals affected with familial non-medullary thyroid cancer (example: Yu-2015). These report(s) do not provide unequivocal conclusions about association of the variant with Hereditary Breast And Ovarian Cancer Syndrome. To our knowledge, no experimental evidence demonstrating an impact on protein function has been reported. Two clinical diagnostic laboratories have submitted clinical-significance assessments for this variant to ClinVar after 2014 and classified the variant as uncertain significance. Based on the evidence outlined above, the variant was classified as uncertain significance.

Literature cited by the submitters: PubMed 26530882 (cited by Labcorp Genetics (formerly Invitae), Labcorp and Women's Health and Genetics/Laboratory Corporation of America, LabCorp); PubMed 28692638 (cited by Ambry Genetics); PubMed 38566028 (cited by Ambry Genetics).

NM_007294.4(BRCA1):c.2862ATC[1] (p.Ser956del)

Gene: BRCA1 (BRCA1 DNA repair associated; minus strand). Cytogenetic location: 17q21.31.
Variant type: Microsatellite.
Coding change: c.2862ATC[1] on transcript NM_007294.4 (MANE Select); one copy of the 3-base unit ATC starting at c.2862; the reference has two copies in a row; one copy, 3 bases deleted.
Protein change: p.Ser956del; deletes serine 956.
Molecular consequence: inframe deletion. On other transcripts: intron variant (137), inframe indel (1).
Genome position (GRCh38, 1-based): chr17:43,092,664-43,092,666, GAT deleted on the plus strand (ATC on the coding strand, the reverse complement: BRCA1 is on the minus strand); deleting any 3 consecutive bases within chr17:43,092,664-43,092,669 gives the same sequence; the position shown is the placement nearest the transcript's 3' end. VCF-style (leftmost placement, unchanged base first): chr17-43092663-AGAT-A. GRCh37 (hg19) VCF-style: chr17-41244680-AGAT-A.
Other names: c.2721ATC[1], p.Ser909del (NM_001407698.1, NM_001407725.1, NM_001407724.1 and 29 more transcripts); c.668-1634_668-1632del (NM_001408424.1, NM_001408421.1, NM_001408431.1); c.785-1634_785-1632del (NM_001408473.1, NM_001408407.1, NM_001408402.1 and 13 more transcripts); c.788-1634_788-1632del (NM_001408403.1, NM_001407983.1, NM_001407975.1 and 17 more transcripts); c.665-1634_665-1632del (NM_001408425.1, NM_001408443.1, NM_001408439.1 and 12 more transcripts); c.791-1643_791-1641del (NM_001408406.1); c.647-1634_647-1632del (NM_001408456.1, NM_001408458.1, NM_001408469.1 and 11 more transcripts); c.644-1634_644-1632del (NM_001408465.1, NM_001408470.1, NM_001408464.1 and 3 more transcripts); and 42 more; short protein forms S909del, S956del, S886del, S888del, S929del, S930del, S788del, S844del.
Identifiers: ClinVar variation 821925 (VCV000821925.14), dbSNP rs1567793980, ClinGen allele CA915950034.